The following is an entry in ClinVar:

NM_183050.4(BCKDHB):c.796A>G (p.Ile266Val)

Gene: BCKDHB (branched chain keto acid dehydrogenase E1 subunit beta; plus strand). Cytogenetic location: 6q14.1.
Variant type: single nucleotide variant.
Coding change: c.796A>G on transcript NM_183050.4 (MANE Select); coding-DNA position 796, A replaced by G.
Protein change: p.Ile266Val; replaces isoleucine 266 with valine.
Molecular consequence: missense variant. On other transcripts: non-coding transcript variant (1).
Genome position (GRCh38, 1-based): chr6:80,200,987, A>G. VCF-style: chr6-80200987-A-G. GRCh37 (hg19) VCF-style: chr6-80910704-A-G.
Other names: c.796A>G, p.Ile266Val (NM_000056.5); c.586A>G, p.Ile196Val (NM_001318975.1); short protein forms I196V, I266V.
Identifiers: ClinVar variation 2065846 (VCV002065846.1), dbSNP rs147581757, ClinGen allele CA3902759.

ClinVar aggregate classification (germline): Uncertain significance (1 of 4 stars; one submission).

Conditions:
Maple syrup urine disease (MSUD). Identifiers: Orphanet 511, MedGen C0024776, MeSH D008375, MONDO:0009563. Disease mechanism: loss of function.

Allele frequency attached by ClinVar (database versions not stated): ExAC 0.00001; gnomAD exomes 0.00001; gnomAD 0.00003; TOPMed 0.00003; ESP Exome Variant Server 0.00008.
gnomAD v4.1: 11 of 1,613,132 alleles (0.00068%); highest among the groups gnomAD compares: African/African-American, 0.0013%; no homozygotes.

Submission:

Labcorp Genetics (formerly Invitae), Labcorp
Classification: Uncertain significance for Maple syrup urine disease. Last evaluated: 2022-11-01. Review status: criteria provided, single submitter. Criteria: Invitae Variant Classification Sherloc (09022015). Collection method: clinical testing. Allele origin: germline.
Comment: This sequence change replaces isoleucine, which is neutral and non-polar, with valine, which is neutral and non-polar, at codon 266 of the BCKDHB protein (p.Ile266Val). This variant is present in population databases (rs147581757, gnomAD 0.004%). This variant has not been reported in the literature in individuals affected with BCKDHB-related conditions. Advanced modeling of protein sequence and biophysical properties (such as structural, functional, and spatial information, amino acid conservation, physicochemical variation, residue mobility, and thermodynamic stability) performed at Invitae indicates that this missense variant is not expected to disrupt BCKDHB protein function. In summary, the available evidence is currently insufficient to determine the role of this variant in disease. Therefore, it has been classified as a Variant of Uncertain Significance.